The following is an entry in ClinVar:

ClinVar aggregate classification (germline): Uncertain significance (1 of 4 stars; one submission).

Submission:

Labcorp Genetics (formerly Invitae), Labcorp
Classification: Uncertain significance. Last evaluated: 2022-08-22. Review status: criteria provided, single submitter. Criteria: Invitae Variant Classification Sherloc (09022015). Collection method: clinical testing. Allele origin: germline.
Comment: This sequence change affects an acceptor splice site in intron 32 of the PCDH15 gene. While this variant is not anticipated to result in nonsense mediated decay, it likely alters RNA splicing and results in a disrupted protein product. This variant is not present in population databases (gnomAD no frequency). This variant has not been reported in the literature in individuals affected with PCDH15-related conditions. Variants that disrupt the consensus splice site are a relatively common cause of aberrant splicing (PMID: 17576681, 9536098). Algorithms developed to predict the effect of sequence changes on RNA splicing suggest that this variant may disrupt the consensus splice site. In summary, the available evidence is currently insufficient to determine the role of this variant in disease. Therefore, it has been classified as a Variant of Uncertain Significance.

Literature cited by the submitters: PubMed 17576681; PubMed 9536098.

NM_033056.4(PCDH15):c.4368-2A>G

Gene: PCDH15 (protocadherin related 15; minus strand). Cytogenetic location: 10q21.1.
Variant type: single nucleotide variant.
Coding change: c.4368-2A>G on transcript NM_033056.4 (MANE Plus Clinical); the canonical splice acceptor site of the intron before coding-DNA position 4368, A replaced by G.
Molecular consequence: splice acceptor variant. On other transcripts: intron variant (8).
Genome position (GRCh38, 1-based): chr10:53,823,360, T>C on the plus strand (A>G on the coding strand, the complement: PCDH15 is on the minus strand). VCF-style: chr10-53823360-T-C. GRCh37 (hg19) VCF-style: chr10-55583120-T-C.
Other names: c.4374-2A>G (NM_001142764.2); c.4389-2A>G (NM_001142763.2); c.4248-2A>G (NM_001142767.2); c.4161-2A>G (NM_001142765.2); c.4359-2A>G (NM_001142766.2); c.4367+4033A>G (NM_001354420.2, NM_001354429.2); c.4368-3130A>G (NM_001384140.1); c.4373+1776A>G (NM_001142772.2, NM_001142770.3); and 6 more.
Identifiers: ClinVar variation 2025943 (VCV002025943.4), dbSNP rs989521806, ClinGen allele CA376527493.